The following is an entry in ClinVar:

NM_001278298.2(COL6A5):c.7244C>T (p.Ala2415Val)

Gene: COL6A5 (collagen type VI alpha 5 chain; plus strand). Cytogenetic location: 3q22.1.
Variant type: single nucleotide variant.
Coding change: c.7244C>T on transcript NM_001278298.2 (MANE Select); coding-DNA position 7244, C replaced by T.
Protein change: p.Ala2415Val; replaces alanine 2415 with valine.
Molecular consequence: missense variant. On other transcripts: non-coding transcript variant (1).
Genome position (GRCh38, 1-based): chr3:130,469,248, C>T. VCF-style: chr3-130469248-C-T. GRCh37 (hg19) VCF-style: chr3-130188092-C-T.
Other names: c.7244C>T, p.Ala2415Val (NM_153264.7); short protein forms A2415V.
Identifiers: ClinVar variation 4655697 (VCV004655697.1).

ClinVar aggregate classification (germline): Uncertain significance (1 of 4 stars; one submission).

gnomAD v4.1: 46 of 1,613,068 alleles (0.0029%); highest among the groups gnomAD compares: South Asian, 0.047%; 1 homozygote.

Submission:

Ambry Genetics
Classification: Uncertain significance. Last evaluated: 2025-10-21. Review status: criteria provided, single submitter. Criteria: Ambry Variant Classification Scheme 2023. Collection method: clinical testing. Allele origin: germline.
Comment: The c.7244C>T (p.A2415V) alteration is located in exon 38 (coding exon 37) of the COL6A5 gene. This alteration results from a C to T substitution at nucleotide position 7244, causing the alanine (A) at amino acid position 2415 to be replaced by a valine (V). Based on data from gnomAD, the T allele has an overall frequency of 0.007% (17/248314) total alleles studied. The highest observed frequency was 0.056% (17/30586) of South Asian alleles. Based on insufficient or conflicting evidence, the clinical significance of this alteration remains unclear.